The following is an entry in ClinVar:

NM_017763.6(RNF43):c.1071C>A (p.Tyr357Ter)

Gene: RNF43 (ring finger protein 43; minus strand). Cytogenetic location: 17q22.
Variant type: single nucleotide variant.
Coding change: c.1071C>A on transcript NM_017763.6 (MANE Select); coding-DNA position 1071, C replaced by A.
Protein change: p.Tyr357Ter; replaces tyrosine 357 with a stop codon.
Molecular consequence: nonsense.
Genome position (GRCh38, 1-based): chr17:58,358,705, G>T on the plus strand (C>A on the coding strand, the complement: RNF43 is on the minus strand). VCF-style: chr17-58358705-G-T. GRCh37 (hg19) VCF-style: chr17-56436066-G-T.
Other names: c.1071C>A, p.Tyr357Ter (NM_001305544.3, NM_001438820.1, NM_001438821.1 and 1 more transcripts); c.690C>A, p.Tyr230Ter (NM_001305545.2, NM_001437987.1); short protein forms Y230*, Y357*.
Identifiers: ClinVar variation 4863371 (VCV004863371.1).

ClinVar aggregate classification (germline): Uncertain significance (1 of 4 stars; one submission).

Submission:

Ambry Genetics
Classification: Uncertain significance. Last evaluated: 2026-06-12. Review status: criteria provided, single submitter. Criteria: Ambry Variant Classification Scheme 2023. Collection method: clinical testing. Allele origin: germline.
Comment: The p.Y357* variant (also known as c.1071C>A), located in coding exon 8 of the RNF43 gene, results from a C to A substitution at nucleotide position 1071. This changes the amino acid from a tyrosine to a stop codon within coding exon 8. The evidence for this gene-disease relationship is limited; therefore, the clinical significance of this variant is unclear.